The following is an entry in ClinVar:

ClinVar aggregate classification (germline): Uncertain significance (1 of 4 stars; one submission).

Conditions:
Charcot-Marie-Tooth disease type 4. Also called: Charcot-Marie-Tooth disease, type IV; Charcot-Marie-Tooth, Type 4. Identifiers: Orphanet 64749, MedGen C4082197, MONDO:0018995.

Allele frequency attached by ClinVar (database versions not stated): gnomAD exomes below 0.00001.
gnomAD v4.1: 6 of 1,612,518 alleles (0.00037%); highest among the groups gnomAD compares: Admixed American, 0.0017%; no homozygotes.

Submission:

Labcorp Genetics (formerly Invitae), Labcorp
Classification: Uncertain significance for Charcot-Marie-Tooth disease type 4. Last evaluated: 2021-12-18. Review status: criteria provided, single submitter. Criteria: Invitae Variant Classification Sherloc (09022015). Collection method: clinical testing. Allele origin: germline.
Comment: This sequence change replaces arginine, which is basic and polar, with tryptophan, which is neutral and slightly polar, at codon 1436 of the PRX protein (p.Arg1436Trp). This variant is present in population databases (no rsID available, gnomAD 0.003%). This variant has not been reported in the literature in individuals affected with PRX-related conditions. ClinVar contains an entry for this variant (Variation ID: 834204). Algorithms developed to predict the effect of missense changes on protein structure and function are either unavailable or do not agree on the potential impact of this missense change (SIFT: "Deleterious"; PolyPhen-2: "Benign"; Align-GVGD: "Class C15"). In summary, the available evidence is currently insufficient to determine the role of this variant in disease. Therefore, it has been classified as a Variant of Uncertain Significance.

NM_181882.3(PRX):c.4306C>T (p.Arg1436Trp)

Gene: PRX (periaxin; minus strand). Cytogenetic location: 19q13.2.
Variant type: single nucleotide variant.
Coding change: c.4306C>T on transcript NM_181882.3 (MANE Select); coding-DNA position 4306, C replaced by T.
Protein change: p.Arg1436Trp; replaces arginine 1436 with tryptophan.
Molecular consequence: missense variant. On other transcripts: 3 prime UTR variant (1).
Genome position (GRCh38, 1-based): chr19:40,394,046, G>A on the plus strand (C>T on the coding strand, the complement: PRX is on the minus strand). VCF-style: chr19-40394046-G-A. GRCh37 (hg19) VCF-style: chr19-40899953-G-A.
Other names: c.*4511C>T (NM_020956.2); short protein forms R1436W.
Identifiers: ClinVar variation 834204 (VCV000834204.5), dbSNP rs1332674327, ClinGen allele CA405889791.
Genomic context (GRCh38, chr19:40,394,046, plus strand): 5'-CCCCCTCCATCCTGGCCGGGCCTGGAGCCCCTGTCTCTGAAAACCCCACGCTGGGCAGCC[G>A]CACCCGCAATCCACCCTCTTCCTGGTCCCCACTCCCACTCCGGGCCTTGGGGCTTAGGGA-3'
Protein context (NP_870998.2, residues 1426-1446): GDQEEGGLRV[Arg1436Trp]LPSVGFSETG